The following is an entry in ClinVar:

NM_000059.4(BRCA2):c.7563C>G (p.Ile2521Met)

Gene: BRCA2 (BRCA2 DNA repair associated; plus strand). Cytogenetic location: 13q13.1.
Variant type: single nucleotide variant.
Coding change: c.7563C>G on transcript NM_000059.4 (MANE Select); coding-DNA position 7563, C replaced by G.
Protein change: p.Ile2521Met; replaces isoleucine 2521 with methionine.
Molecular consequence: missense variant. On other transcripts: non-coding transcript variant (1).
Genome position (GRCh38, 1-based): chr13:32,356,555, C>G. VCF-style: chr13-32356555-C-G. GRCh37 (hg19) VCF-style: chr13-32930692-C-G.
Other names: c.7563C>G, p.Ile2521Met (NM_001406720.1); c.2631C>G, p.Ile877Met (NM_001406721.1); c.1146C>G, p.Ile382Met (NM_001406722.1); c.7467C>G, p.Ile2489Met (NM_001406719.1); short protein forms I2521M, I877M, I382M, I2489M.
Identifiers: ClinVar variation 2823972 (VCV002823972.5), dbSNP rs786204282, ClinGen allele CA387743749.

ClinVar aggregate classification (germline): Uncertain significance. Review status: criteria provided, multiple submitters, no conflicts (2 of 4 stars). 3 submissions from 3 submitters: Uncertain significance (3). Last evaluated 2024-08-06.

Conditions:
Hereditary breast ovarian cancer syndrome. Also called: Hereditary breast and/or ovarian cancer syndrome; Hereditary breast and ovarian cancer; Hereditary breast and ovarian cancer syndrome; Breast and ovarian cancer; Hereditary breast and ovarian cancer syndrome (HBOC); BRCA1- and BRCA2-Associated Hereditary Breast and Ovarian Cancer. Identifiers: Orphanet 145, MedGen C0677776, MeSH D061325, MONDO:0003582. Disease mechanism: loss of function.
Hereditary cancer-predisposing syndrome. Also called: Neoplastic Syndromes, Hereditary; Hereditary neoplastic syndrome; Tumor predisposition; Hereditary Cancer Syndrome. Identifiers: Orphanet 140162, MedGen C0027672, MeSH D009386, MONDO:0015356.

Allele frequency attached by ClinVar (database versions not stated): TOPMed below 0.00001.

Submissions (3):

Ambry Genetics
Classification: Uncertain significance for Hereditary cancer-predisposing syndrome. Last evaluated: 2024-08-06. Review status: criteria provided, single submitter. Criteria: Ambry Variant Classification Scheme 2023. Collection method: clinical testing. Allele origin: germline.
Comment: The p.I2521M variant (also known as c.7563C>G), located in coding exon 14 of the BRCA2 gene, results from a C to G substitution at nucleotide position 7563. The isoleucine at codon 2521 is replaced by methionine, an amino acid with highly similar properties. This amino acid position is not well conserved in available vertebrate species. In addition, the in silico prediction for this alteration is inconclusive. Based on the available evidence, the clinical significance of this variant remains unclear.

Women's Health and Genetics/Laboratory Corporation of America, LabCorp
Classification: Uncertain significance. Last evaluated: 2024-07-18. Review status: criteria provided, single submitter. Criteria: LabCorp Variant Classification Summary - May 2015. Collection method: clinical testing. Allele origin: germline.
Comment: Variant summary: BRCA2 c.7563C>G (p.Ile2521Met) results in a conservative amino acid change located in the Breast cancer type 2 susceptibility protein, helical domain (IPR015252) of the encoded protein sequence. Four of five in-silico tools predict a damaging effect of the variant on protein function. The variant was absent in 251144 control chromosomes. The available data on variant occurrences in the general population are insufficient to allow any conclusion about variant significance. To our knowledge, no occurrence of c.7563C>G in individuals affected with Hereditary Breast And Ovarian Cancer Syndrome and no experimental evidence demonstrating its impact on protein function have been reported. ClinVar contains an entry for this variant (Variation ID: 2823972). Based on the evidence outlined above, the variant was classified as uncertain significance.

Labcorp Genetics (formerly Invitae), Labcorp
Classification: Uncertain significance for Hereditary breast ovarian cancer syndrome. Last evaluated: 2022-12-25. Review status: criteria provided, single submitter. Criteria: Invitae Variant Classification Sherloc (09022015). Collection method: clinical testing. Allele origin: germline.
Comment: In summary, the available evidence is currently insufficient to determine the role of this variant in disease. Therefore, it has been classified as a Variant of Uncertain Significance. Advanced modeling of protein sequence and biophysical properties (such as structural, functional, and spatial information, amino acid conservation, physicochemical variation, residue mobility, and thermodynamic stability) performed at Invitae indicates that this missense variant is not expected to disrupt BRCA2 protein function. This variant has not been reported in the literature in individuals affected with BRCA2-related conditions. This variant is not present in population databases (gnomAD no frequency). This sequence change replaces isoleucine, which is neutral and non-polar, with methionine, which is neutral and non-polar, at codon 2521 of the BRCA2 protein (p.Ile2521Met).